The following is an entry in ClinVar:

ClinVar aggregate classification (germline): Uncertain significance. Review status: criteria provided, multiple submitters, no conflicts (2 of 4 stars). 4 submissions from 4 submitters: Uncertain significance (3). 1 of the submissions does not count toward it. Last evaluated 2026-08-07.

Conditions:
Cohen syndrome (COH1). Also called: Cutis verticis gyrata, retinitis pigmentosa, and sensorineural deafness; PEPPER SYNDROME. Identifiers: Orphanet 193, MedGen C0265223, MONDO:0008999, OMIM 216550.
VPS13B-related disorder. Also called: VPS13B-related condition.
Inborn genetic diseases. Identifiers: MedGen C0950123, MeSH D030342.

Allele frequency attached by ClinVar (database versions not stated): ExAC 0.00001; gnomAD exomes 0.00002; gnomAD 0.00004 and 0.00005; TOPMed 0.00005.
gnomAD v4.1: 15 of 1,613,912 alleles (0.00093%); highest among the groups gnomAD compares: African/African-American, 0.015%; no homozygotes.

Submissions (4):

PreventionGenetics, part of Exact Sciences
Classification: Uncertain significance for VPS13B-related condition. Last evaluated: 2026-08-07. Review status: criteria provided, single submitter. Criteria: ACMG Guidelines, 2015. Collection method: clinical testing. Allele origin: germline.
Comment: The VPS13B c.6983C>G variant is predicted to result in the amino acid substitution p.Thr2328Ser. To our knowledge, this variant has not been reported in the literature. This variant is reported in 0.020% of alleles in individuals of African descent in gnomAD. At this time, the clinical significance of this variant is uncertain due to the absence of conclusive functional and genetic evidence.

Ambry Genetics
Classification: Uncertain significance for Inborn genetic diseases. Last evaluated: 2025-11-13. Review status: criteria provided, single submitter. Criteria: Ambry Variant Classification Scheme 2023. Collection method: clinical testing. Allele origin: germline.

Labcorp Genetics (formerly Invitae), Labcorp
Classification: Uncertain significance for Cohen syndrome. Last evaluated: 2021-08-27. Review status: criteria provided, single submitter. Criteria: Invitae Variant Classification Sherloc (09022015). Collection method: clinical testing. Allele origin: germline.

Natera, Inc.
Classification: Uncertain significance for Cohen syndrome. Last evaluated: 2021-01-11. Review status: no assertion criteria provided. Collection method: clinical testing. Allele origin: germline. Not counted in ClinVar's aggregate classification.

NM_152564.5(VPS13B):c.6983C>G (p.Thr2328Ser)

Gene: VPS13B (vacuolar protein sorting 13 homolog B; plus strand). Cytogenetic location: 8q22.2.
Variant type: single nucleotide variant.
Coding change: c.6983C>G on transcript NM_152564.5 (MANE Select); coding-DNA position 6983, C replaced by G.
Protein change: p.Thr2328Ser; replaces threonine 2328 with serine.
Molecular consequence: missense variant.
Genome position (GRCh38, 1-based): chr8:99,720,980, C>G. VCF-style: chr8-99720980-C-G. GRCh37 (hg19) VCF-style: chr8-100733208-C-G.
Other names: c.7058C>G, p.Thr2353Ser (NM_017890.5); c.7058C>G (NM_017890.3); c.6983C>G (NM_152564.4); short protein forms T2328S, T2353S.
Identifiers: ClinVar variation 1046341 (VCV001046341.11), dbSNP rs764775015, ClinGen allele CA4824124.